The following is an entry in ClinVar:

ClinVar aggregate classification (germline): Uncertain significance (1 of 4 stars; one submission).

Conditions:
Pulmonary hypertension, primary, 4. Identifiers: Orphanet 422, MedGen C3809198, MONDO:0014136, OMIM 615344.

Submission:

Labcorp Genetics (formerly Invitae), Labcorp
Classification: Uncertain significance for Pulmonary hypertension, primary, 4. Last evaluated: 2022-12-16. Review status: criteria provided, single submitter. Criteria: Invitae Variant Classification Sherloc (09022015). Collection method: clinical testing. Allele origin: unknown.
Comment: In summary, the available evidence is currently insufficient to determine the role of this variant in disease. Therefore, it has been classified as a Variant of Uncertain Significance. This variant has not been reported in the literature in individuals affected with KCNK3-related conditions. A copy number gain of the genomic region encompassing the full coding sequence of the KCNK3 gene has been identified. The boundaries of this event are unknown as they extend beyond the assayed region for this gene and therefore may encompass additional genes. As the precise location of this event is unknown, it may be in tandem or it may be located elsewhere in the genome.

NC_000002.11:g.(?_26915744)_(26951436_?)dup

Gene: KCNK3 (potassium two pore domain channel subfamily K member 3; plus strand). Cytogenetic location: 2p23.3.
Variant type: Duplication.
Identifiers: ClinVar variation 3247401 (VCV003247401.1).